The following is an entry in ClinVar:

NM_032040.5(CCDC8):c.1297C>T (p.Arg433Trp)

Gene: CCDC8 (coiled-coil domain containing 8; minus strand). Cytogenetic location: 19q13.32.
Variant type: single nucleotide variant.
Coding change: c.1297C>T on transcript NM_032040.5 (MANE Select); coding-DNA position 1297, C replaced by T.
Protein change: p.Arg433Trp; replaces arginine 433 with tryptophan.
Molecular consequence: missense variant.
Genome position (GRCh38, 1-based): chr19:46,411,514, G>A on the plus strand (C>T on the coding strand, the complement: CCDC8 is on the minus strand). VCF-style: chr19-46411514-G-A. GRCh37 (hg19) VCF-style: chr19-46914771-G-A.
Other names: short protein forms R433W.
Identifiers: ClinVar variation 2063506 (VCV002063506.2), dbSNP rs746276818, ClinGen allele CA9528506.

ClinVar aggregate classification (germline): Uncertain significance. Review status: criteria provided, multiple submitters, no conflicts (2 of 4 stars). 2 submissions from 2 submitters: Uncertain significance (2). Last evaluated 2022-02-04.

Conditions:
Inborn genetic diseases. Identifiers: MedGen C0950123, MeSH D030342.

Allele frequency attached by ClinVar (database versions not stated): gnomAD 0.00002; TOPMed 0.00003; ExAC 0.00004.

Submissions (2):

Labcorp Genetics (formerly Invitae), Labcorp
Classification: Uncertain significance. Last evaluated: 2022-02-04. Review status: criteria provided, single submitter. Criteria: Invitae Variant Classification Sherloc (09022015). Collection method: clinical testing. Allele origin: germline.
Comment: This sequence change replaces arginine, which is basic and polar, with tryptophan, which is neutral and slightly polar, at codon 433 of the CCDC8 protein (p.Arg433Trp). This variant is present in population databases (rs746276818, gnomAD 0.006%). This variant has not been reported in the literature in individuals affected with CCDC8-related conditions. Algorithms developed to predict the effect of missense changes on protein structure and function are either unavailable or do not agree on the potential impact of this missense change (SIFT: "Tolerated"; PolyPhen-2: "Possibly Damaging"; Align-GVGD: "Class C0"). In summary, the available evidence is currently insufficient to determine the role of this variant in disease. Therefore, it has been classified as a Variant of Uncertain Significance.

Ambry Genetics
Classification: Uncertain significance for Inborn genetic diseases. Last evaluated: 2021-09-01. Review status: criteria provided, single submitter. Criteria: Ambry Variant Classification Scheme 2023. Collection method: clinical testing. Allele origin: germline.